The following is an entry in ClinVar:

ClinVar aggregate classification (germline): Uncertain significance. Review status: criteria provided, multiple submitters, no conflicts (2 of 4 stars). 4 submissions from 4 submitters: Uncertain significance (3). 1 of the submissions does not count toward it. Last evaluated 2025-02-03.

Conditions:
Hereditary cancer-predisposing syndrome. Also called: Hereditary Cancer Syndrome; Neoplastic Syndromes, Hereditary; Tumor predisposition; Hereditary neoplastic syndrome. Identifiers: Orphanet 140162, MedGen C0027672, MeSH D009386, MONDO:0015356.
Ataxia-telangiectasia syndrome (AT). Also called: Ataxia telangiectasia (A-T); Ataxia-telangiectasia, complementation group E; LOUIS-BAR SYNDROME; Cerebello-oculocutaneous telangiectasia; Immunodeficiency with ataxia telangiectasia; Ataxia-telangiectasia, complementation group D. Identifiers: Orphanet 100, MedGen C0004135, MONDO:0008840, OMIM 208900.

Allele frequency attached by ClinVar (database versions not stated): TOPMed below 0.00001.

Submissions (4):

Labcorp Genetics (formerly Invitae), Labcorp
Classification: Uncertain significance for Ataxia-telangiectasia syndrome. Last evaluated: 2025-02-03. Review status: criteria provided, single submitter. Criteria: Invitae Variant Classification Sherloc (09022015). Collection method: clinical testing. Allele origin: germline.
Comment: This sequence change replaces aspartic acid, which is acidic and polar, with glutamic acid, which is acidic and polar, at codon 317 of the ATM protein (p.Asp317Glu). This variant is not present in population databases (gnomAD no frequency). This variant has not been reported in the literature in individuals affected with ATM-related conditions. ClinVar contains an entry for this variant (Variation ID: 231510). Invitae Evidence Modeling of protein sequence and biophysical properties (such as structural, functional, and spatial information, amino acid conservation, physicochemical variation, residue mobility, and thermodynamic stability) indicates that this missense variant is not expected to disrupt ATM protein function with a negative predictive value of 95%. In summary, the available evidence is currently insufficient to determine the role of this variant in disease. Therefore, it has been classified as a Variant of Uncertain Significance.

Ambry Genetics
Classification: Uncertain significance for Hereditary cancer-predisposing syndrome. Last evaluated: 2024-05-14. Review status: criteria provided, single submitter. Criteria: Ambry Variant Classification Scheme 2023. Collection method: clinical testing. Allele origin: germline.
Comment: The p.D317E variant (also known as c.951T>G), located in coding exon 7 of the ATM gene, results from a T to G substitution at nucleotide position 951. The aspartic acid at codon 317 is replaced by glutamic acid, an amino acid with highly similar properties. This amino acid position is well conserved in available vertebrate species. In addition, this alteration is predicted to be tolerated by in silico analysis. Based on the available evidence, the clinical significance of this variant remains unclear.

Women's Health and Genetics/Laboratory Corporation of America, LabCorp
Classification: Uncertain significance. Last evaluated: 2017-12-15. Review status: criteria provided, single submitter. Criteria: LabCorp Variant Classification Summary - May 2015. Collection method: clinical testing. Allele origin: germline.
Comment: Variant summary: The ATM c.951T>G (p.Asp317Glu) variant involves the alteration of a non-conserved nucleotide that is not located within a known functional domain (InterPro). 3/4 in silico tools predict a benign outcome for this variant (SNPsandGO not captured due to low reliability index). This variant is absent in 245844 control chromosomes. One clinical diagnostic laboratory classified this variant as one of uncertain significance. The variant of interest has not, to our knowledge, been reported in affected individuals via publications, nor evaluated for functional impact by in vivo/vitro studies. Because of the absence of clinical information and the lack of functional studies, the variant is classified as a variant of uncertain significance (VUS) until additional information becomes available.

Natera, Inc.
Classification: Uncertain significance for Ataxia-telangiectasia. Last evaluated: 2021-08-09. Review status: no assertion criteria provided. Collection method: clinical testing. Allele origin: germline. Not counted in ClinVar's aggregate classification.

NM_000051.4(ATM):c.951T>G (p.Asp317Glu)

Gene: ATM (ATM serine/threonine kinase; plus strand). Cytogenetic location: 11q22.3.
Variant type: single nucleotide variant.
Coding change: c.951T>G on transcript NM_000051.4 (MANE Select); coding-DNA position 951, T replaced by G.
Protein change: p.Asp317Glu; replaces aspartic acid 317 with glutamic acid.
Molecular consequence: missense variant.
Genome position (GRCh38, 1-based): chr11:108,247,013, T>G. VCF-style: chr11-108247013-T-G. GRCh37 (hg19) VCF-style: chr11-108117740-T-G.
Other names: c.951T>G, p.Asp317Glu (NM_001351834.2); short protein forms D317E.
Identifiers: ClinVar variation 231510 (VCV000231510.10), dbSNP rs876659199, ClinGen allele CA10578985.